The following is an entry in ClinVar:

ClinVar aggregate classification (germline): Uncertain significance (1 of 4 stars; one submission).

Submission:

Labcorp Genetics (formerly Invitae), Labcorp
Classification: Uncertain significance. Last evaluated: 2025-05-07. Review status: criteria provided, single submitter. Criteria: Invitae Variant Classification Sherloc (09022015). Collection method: clinical testing. Allele origin: germline.
Comment: This sequence change affects the initiator codon of the SERPINH1 mRNA. This change may impact translation initiation or efficiency. The next in-frame methionine is located at codon 58. This variant is not present in population databases (gnomAD no frequency). This variant has not been reported in the literature in individuals affected with SERPINH1-related conditions. Experimental studies and prediction algorithms are not available or were not evaluated, and the functional significance of this variant is currently unknown. In summary, the available evidence is currently insufficient to determine the role of this variant in disease. Therefore, it has been classified as a Variant of Uncertain Significance.

NM_001235.5(SERPINH1):c.2T>C (p.Met1Thr)

Gene: SERPINH1 (serpin family H member 1; plus strand). Cytogenetic location: 11q13.5.
Variant type: single nucleotide variant.
Coding change: c.2T>C on transcript NM_001235.5 (MANE Select); coding-DNA position 2, T replaced by C.
Protein change: p.Met1Thr; changes the start codon (methionine 1).
Molecular consequence: missense variant, initiator codon variant.
Genome position (GRCh38, 1-based): chr11:75,566,351, T>C. VCF-style: chr11-75566351-T-C. GRCh37 (hg19) VCF-style: chr11-75277396-T-C.
Other names: c.2T>C, p.Met1Thr (NM_001207014.3, NM_001440311.1, NM_001440312.1 and 5 more transcripts); short protein forms M1T.
Identifiers: ClinVar variation 4717785 (VCV004717785.1).
Genomic context (GRCh38, chr11:75,566,351, plus strand): 5'-CACCCTGTCTGTGCAATCCTCACAGGCCCACCGTGGTGCACGCAAACCACTTCCTGGCCA[T>C]GCGCTCCCTCCTGCTTCTCAGCGCCTTCTGCCTCCTGGAGGCGGCCCTGGCCGCCGAGGT-3'
Protein context (NP_001226.2, residues 1-11): [Met1Thr]RSLLLLSAFC